The following is an entry in ClinVar:

NM_017757.3(ZNF407):c.5292T>G (p.Thr1764=)

Gene: ZNF407 (zinc finger protein 407; plus strand). Cytogenetic location: 18q22.3.
Variant type: single nucleotide variant.
Coding change: c.5292T>G on transcript NM_017757.3 (MANE Select); coding-DNA position 5292, T replaced by G.
Protein change: p.Thr1764=; no amino-acid change (threonine 1764 retained).
Molecular consequence: synonymous variant.
Genome position (GRCh38, 1-based): chr18:74,920,556, T>G. VCF-style: chr18-74920556-T-G. GRCh37 (hg19) VCF-style: chr18-72632512-T-G.
Other names: c.5292T>G, p.Thr1764= (NM_001146189.1, NM_001384475.1).
Identifiers: ClinVar variation 3044185 (VCV003044185.2), dbSNP rs374353507, ClinGen allele CA9001091.

ClinVar aggregate classification (germline): Likely benign (0 of 4 stars; one submission).

Conditions:
ZNF407-related disorder. Also called: ZNF407-related condition.

Allele frequency attached by ClinVar (database versions not stated): gnomAD exomes 0.00003; ExAC 0.00012; ESP Exome Variant Server 0.00024; gnomAD 0.00044; TOPMed 0.00045; 1000 Genomes Project 30x 0.00078; 1000 Genomes Project 0.00080.
gnomAD v4.1: 115 of 1,595,040 alleles (0.0072%); highest among the groups gnomAD compares: African/African-American, 0.15%; 2 homozygotes.

Submission:

PreventionGenetics, part of Exact Sciences
Classification: Likely benign for ZNF407-related condition. Last evaluated: 2019-06-06. Review status: no assertion criteria provided. Collection method: clinical testing. Allele origin: germline.
Comment: This variant is classified as likely benign based on ACMG/AMP sequence variant interpretation guidelines (Richards et al. 2015 PMID: 25741868, with internal and published modifications).